The following is an entry in ClinVar:

NM_001374828.1(ARID1B):c.7004G>T (p.Arg2335Leu)

Gene: ARID1B (AT-rich interaction domain 1B; plus strand). Cytogenetic location: 6q25.3.
Variant type: single nucleotide variant.
Coding change: c.7004G>T on transcript NM_001374828.1 (MANE Select); coding-DNA position 7004, G replaced by T.
Protein change: p.Arg2335Leu; replaces arginine 2335 with leucine.
Molecular consequence: missense variant.
Genome position (GRCh38, 1-based): chr6:157,207,776, G>T. VCF-style: chr6-157207776-G-T. GRCh37 (hg19) VCF-style: chr6-157528910-G-T.
Other names: c.4505G>T, p.Arg1502Leu (NM_001363725.2); c.6884G>T, p.Arg2295Leu (NM_001371656.1, NM_001374820.1); c.6845G>T, p.Arg2282Leu (NM_017519.3); short protein forms R1502L, R2282L, R2295L, R2335L.
Identifiers: ClinVar variation 1213796 (VCV001213796.1), dbSNP rs146468586, ClinGen allele CA366249545.

ClinVar aggregate classification (germline): Uncertain significance (1 of 4 stars; one submission).

Conditions:
Coffin-Siris syndrome 1 (CSS1). Also called: Mental retardation, autosomal dominant 12; ARID1B-Related Coffin-Siris Syndrome. Identifiers: Orphanet 1465, MedGen C3281201, MONDO:0007617, OMIM 135900. Disease mechanism: gain of function.

Submission:

New York Genome Center
Classification: Uncertain significance for Coffin-Siris syndrome 1. Last evaluated: 2020-09-19. Review status: criteria provided, single submitter. Criteria: NYGC Assertion Criteria 2020. Collection method: clinical testing. Allele origin: germline. Observed: 1 heterozygote. Study: CSER-NYCKidSeq.
Comment: The c.6596G>T (p.Arg2199Leu) variant detected in the ARID1B gene substitutes a conserved Arginine for Leucine at amino acid 2199/2237 (exon 19/19). Of note, ARID1B has multiple isoforms, and this variant may be displayed with a different c. and p. if an alternate transcript is used for annotation (NM_001346813.1:c.6755G>T, NP_001333742.1:p.Arg2252Leu). This variant is absent from gnomAD(v3.0) suggesting it is not a common benign variant in the populations represented in that database. In silico algorithms predict this variant to be Deleterious (Provean; score:-4.19) and Damaging (SIFT; score:0.048) to the function of the canonical transcript. This variant is absent from ClinVar and to our current knowledge has not been reported in affected individuals in the literature. Given the lack of compelling evidence for its pathogenicity, the c.6596G>T (p.Arg2199Leu) variant is reported as a Variant of Uncertain Significance.